The following is an entry in ClinVar:

ClinVar aggregate classification (germline): Uncertain significance (1 of 4 stars; one submission).

Submission:

Labcorp Genetics (formerly Invitae), Labcorp
Classification: Uncertain significance. Last evaluated: 2025-05-25. Review status: criteria provided, single submitter. Criteria: Invitae Variant Classification Sherloc (09022015). Collection method: clinical testing. Allele origin: germline.
Comment: This sequence change replaces glutamine, which is neutral and polar, with arginine, which is basic and polar, at codon 811 of the TOPORS protein (p.Gln811Arg). This variant is present in population databases (rs753142968, gnomAD 0.006%). This variant has not been reported in the literature in individuals affected with TOPORS-related conditions. Experimental studies and prediction algorithms are not available or were not evaluated, and the functional significance of this variant is currently unknown. In summary, the available evidence is currently insufficient to determine the role of this variant in disease. Therefore, it has been classified as a Variant of Uncertain Significance.

NM_005802.5(TOPORS):c.2432A>G (p.Gln811Arg)

Gene: TOPORS (TOP1 binding arginine/serine rich protein, E3 ubiquitin ligase; minus strand). Cytogenetic location: 9p21.1.
Variant type: single nucleotide variant.
Coding change: c.2432A>G on transcript NM_005802.5 (MANE Select); coding-DNA position 2432, A replaced by G.
Protein change: p.Gln811Arg; replaces glutamine 811 with arginine.
Molecular consequence: missense variant.
Genome position (GRCh38, 1-based): chr9:32,542,093, T>C on the plus strand (A>G on the coding strand, the complement: TOPORS is on the minus strand). VCF-style: chr9-32542093-T-C. GRCh37 (hg19) VCF-style: chr9-32542091-T-C.
Other names: c.2237A>G, p.Gln746Arg (NM_001195622.2); short protein forms Q746R, Q811R.
Identifiers: ClinVar variation 4766816 (VCV004766816.1).